The following is an entry in ClinVar:

NM_015627.3(LDLRAP1):c.705G>C (p.Glu235Asp)

Gene: LDLRAP1 (low density lipoprotein receptor adaptor protein 1; plus strand). Cytogenetic location: 1p36.11.
Variant type: single nucleotide variant.
Coding change: c.705G>C on transcript NM_015627.3 (MANE Select); coding-DNA position 705, G replaced by C.
Protein change: p.Glu235Asp; replaces glutamic acid 235 with aspartic acid.
Molecular consequence: missense variant.
Genome position (GRCh38, 1-based): chr1:25,563,749, G>C. VCF-style: chr1-25563749-G-C. GRCh37 (hg19) VCF-style: chr1-25890240-G-C.
Other names: short protein forms E235D.
Identifiers: ClinVar variation 1756942 (VCV001756942.6), dbSNP rs138552317, ClinGen allele CA695695.

ClinVar aggregate classification (germline): Uncertain significance. Review status: criteria provided, multiple submitters, no conflicts (2 of 4 stars). 3 submissions from 3 submitters: Uncertain significance (3). Last evaluated 2024-11-19.

Conditions:
Cardiovascular phenotype. Identifiers: MedGen CN230736.
Hypercholesterolemia, familial, 4 (FHCL4). Also called: HYPERCHOLESTEROLEMIA, AUTOSOMAL RECESSIVE, 1; HYPERCHOLESTEROLEMIA, AUTOSOMAL RECESSIVE, 2. Identifiers: Orphanet 391665, MedGen C1863512, MONDO:0011374, OMIM 603813.

Allele frequency attached by ClinVar (database versions not stated): gnomAD exomes below 0.00001; ExAC 0.00002; gnomAD 0.00006; TOPMed 0.00006; ESP Exome Variant Server 0.00008.
gnomAD v4.1: 15 of 1,614,016 alleles (0.00093%); highest among the groups gnomAD compares: African/African-American, 0.02%; no homozygotes.

Submissions (3):

Ambry Genetics
Classification: Uncertain significance for Cardiovascular phenotype. Last evaluated: 2024-11-19. Review status: criteria provided, single submitter. Criteria: Ambry Variant Classification Scheme 2023. Collection method: clinical testing. Allele origin: germline.

Women's Health and Genetics/Laboratory Corporation of America, LabCorp
Classification: Uncertain significance. Last evaluated: 2024-04-22. Review status: criteria provided, single submitter. Criteria: LabCorp Variant Classification Summary - May 2015. Collection method: clinical testing. Allele origin: germline.
Comment: Variant summary: LDLRAP1 c.705G>C (p.Glu235Asp) results in a conservative amino acid change in the encoded protein sequence. Five of five in-silico tools predict a benign effect of the variant on protein function. The variant allele was found at a frequency of 2e-05 in 250824 control chromosomes. The available data on variant occurrences in the general population are insufficient to allow any conclusion about variant significance. To our knowledge, no occurrence of c.705G>C in individuals affected with Familial Hypercholesterolemia and no experimental evidence demonstrating its impact on protein function have been reported. ClinVar contains an entry for this variant (Variation ID: 1756942). Based on the evidence outlined above, the variant was classified as uncertain significance.

Genome-Nilou Lab
Classification: Uncertain significance for Hypercholesterolemia, familial, 4. Last evaluated: 2023-04-11. Review status: criteria provided, single submitter. Criteria: ACMG Guidelines, 2015. Collection method: clinical testing. Allele origin: germline. Affected: no.